The following is an entry in ClinVar:

ClinVar aggregate classification (germline): Pathogenic. Review status: criteria provided, multiple submitters, no conflicts (2 of 4 stars). 4 submissions from 4 submitters: Pathogenic (2). 2 of the submissions do not count toward it. Last evaluated 2023-11-14.

Conditions:
Bardet-Biedl syndrome (BBS). Identifiers: Orphanet 110, MedGen C0752166, MONDO:0015229.
Bardet-Biedl syndrome 1 (BBS1). Identifiers: MedGen C2936862, MONDO:0008854, OMIM 209900. Disease mechanism: loss of function.

Allele frequency attached by ClinVar (database versions not stated): gnomAD exomes below 0.00001.
gnomAD v4.1: 4 of 1,614,162 alleles (0.00025%); highest among the groups gnomAD compares: Non-Finnish European, 0.00034%; no homozygotes.

Submissions (4):

Labcorp Genetics (formerly Invitae), Labcorp
Classification: Pathogenic for Bardet-Biedl syndrome. Last evaluated: 2023-11-14. Review status: criteria provided, single submitter. Criteria: Invitae Variant Classification Sherloc (09022015). Collection method: clinical testing. Allele origin: germline.
Comment: This sequence change affects an acceptor splice site in intron 9 of the BBS1 gene. It is expected to disrupt RNA splicing. Variants that disrupt the donor or acceptor splice site typically lead to a loss of protein function (PMID: 16199547), and loss-of-function variants in BBS1 are known to be pathogenic (PMID: 12118255, 21520335, 27032803). This variant is present in population databases (no rsID available, gnomAD 0.0009%). Disruption of this splice site has been observed in individual(s) with Bardet-Biedl syndrome (Invitae). ClinVar contains an entry for this variant (Variation ID: 371517). Algorithms developed to predict the effect of sequence changes on RNA splicing suggest that this variant may disrupt the consensus splice site. For these reasons, this variant has been classified as Pathogenic.

CeGaT Center for Human Genetics Tuebingen
Classification: Pathogenic. Last evaluated: 2021-05-01. Review status: criteria provided, single submitter. Criteria: CeGaT Center For Human Genetics Tuebingen Variant Classification Criteria Version 2. Collection method: clinical testing. Allele origin: germline. Affected: yes. Observed: 1 variant allele.

Natera, Inc.
Classification: Likely pathogenic for Bardet-Biedl syndrome type 1. Last evaluated: 2020-10-22. Review status: no assertion criteria provided. Collection method: clinical testing. Allele origin: germline. Not counted in ClinVar's aggregate classification.

Counsyl
Classification: Likely pathogenic for Bardet-Biedl syndrome 1. Last evaluated: 2016-10-10. Review status: no assertion criteria provided. Collection method: clinical testing. Allele origin: unknown. Not counted in ClinVar's aggregate classification.

Literature cited by the submitters: PubMed 16199547 (cited by Labcorp Genetics (formerly Invitae), Labcorp); PubMed 12118255 (cited by Labcorp Genetics (formerly Invitae), Labcorp); PubMed 21520335 (cited by Labcorp Genetics (formerly Invitae), Labcorp); PubMed 27032803 (cited by Labcorp Genetics (formerly Invitae), Labcorp).

NM_024649.5(BBS1):c.831-2A>G

Genes: BBS1 (Bardet-Biedl syndrome 1; plus strand), ZDHHC24 (zDHHC palmitoyltransferase 24; minus strand). Cytogenetic location: 11q13.2.
Variant type: single nucleotide variant.
Coding change: c.831-2A>G on transcript NM_024649.5 (MANE Select); the canonical splice acceptor site of the intron before coding-DNA position 831, A replaced by G.
Molecular consequence: splice acceptor variant. On other transcripts: intron variant (1).
Genome position (GRCh38, 1-based): chr11:66,523,454, A>G. VCF-style: chr11-66523454-A-G. GRCh37 (hg19) VCF-style: chr11-66290925-A-G.
Other names: c.*22-1988T>C (NM_001348571.2).
Identifiers: ClinVar variation 371517 (VCV000371517.56), dbSNP rs1057517332, ClinGen allele CA16041525.